The following is an entry in ClinVar:

ClinVar aggregate classification (germline): Uncertain significance (1 of 4 stars; one submission).

Allele frequency attached by ClinVar (database versions not stated): gnomAD exomes below 0.00001.
gnomAD v4.1: 2 of 1,610,778 alleles (0.00012%); highest among the groups gnomAD compares: Middle Eastern, 0.016%; no homozygotes.

Submission:

Labcorp Genetics (formerly Invitae), Labcorp
Classification: Uncertain significance. Last evaluated: 2024-05-21. Review status: criteria provided, single submitter. Criteria: Invitae Variant Classification Sherloc (09022015). Collection method: clinical testing. Allele origin: germline.
Comment: This sequence change replaces isoleucine, which is neutral and non-polar, with threonine, which is neutral and polar, at codon 314 of the ZMIZ1 protein (p.Ile314Thr). This variant is not present in population databases (gnomAD no frequency). This variant has not been reported in the literature in individuals affected with ZMIZ1-related conditions. Advanced modeling of protein sequence and biophysical properties (such as structural, functional, and spatial information, amino acid conservation, physicochemical variation, residue mobility, and thermodynamic stability) performed at Invitae indicates that this missense variant is not expected to disrupt ZMIZ1 protein function with a negative predictive value of 80%. In summary, the available evidence is currently insufficient to determine the role of this variant in disease. Therefore, it has been classified as a Variant of Uncertain Significance.

NM_020338.4(ZMIZ1):c.941T>C (p.Ile314Thr)

Gene: ZMIZ1 (zinc finger MIZ-type containing 1; plus strand). Cytogenetic location: 10q22.3.
Variant type: single nucleotide variant.
Coding change: c.941T>C on transcript NM_020338.4 (MANE Select); coding-DNA position 941, T replaced by C.
Protein change: p.Ile314Thr; replaces isoleucine 314 with threonine.
Molecular consequence: missense variant.
Genome position (GRCh38, 1-based): chr10:79,292,340, T>C. VCF-style: chr10-79292340-T-C. GRCh37 (hg19) VCF-style: chr10-81052097-T-C.
Other names: short protein forms I314T.
Identifiers: ClinVar variation 2867546 (VCV002867546.3), dbSNP rs1853552083, ClinGen allele CA377333155.